The following is an entry in ClinVar:

NM_001457.4(FLNB):c.2323+3G>A

Gene: FLNB (filamin B; plus strand). Cytogenetic location: 3p14.3.
Variant type: single nucleotide variant.
Coding change: c.2323+3G>A on transcript NM_001457.4 (MANE Select); 3 bases into the intron after coding-DNA position 2323, G replaced by A.
Molecular consequence: intron variant.
Genome position (GRCh38, 1-based): chr3:58,109,702, G>A. VCF-style: chr3-58109702-G-A. GRCh37 (hg19) VCF-style: chr3-58095429-G-A.
Other names: c.2323+3G>A (NM_001164317.2, NM_001164318.2, NM_001164319.2).
Identifiers: ClinVar variation 2963512 (VCV002963512.3), dbSNP rs1333597817, ClinGen allele CA543244629.

ClinVar aggregate classification (germline): Uncertain significance (1 of 4 stars; one submission).

Allele frequency attached by ClinVar (database versions not stated): gnomAD exomes below 0.00001.
gnomAD v4.1: 2 of 1,614,122 alleles (0.00012%); highest among the groups gnomAD compares: Non-Finnish European, 0.00017%; no homozygotes.

Submission:

Labcorp Genetics (formerly Invitae), Labcorp
Classification: Uncertain significance. Last evaluated: 2025-06-23. Review status: criteria provided, single submitter. Criteria: Invitae Variant Classification Sherloc (09022015). Collection method: clinical testing. Allele origin: germline.
Comment: This sequence change falls in intron 15 of the FLNB gene. It does not directly change the encoded amino acid sequence of the FLNB protein. It affects a nucleotide within the consensus splice site. This variant is present in population databases (no rsID available, gnomAD 0.0009%). This variant has not been reported in the literature in individuals affected with FLNB-related conditions. ClinVar contains an entry for this variant (Variation ID: 2963512). Variants that disrupt the consensus splice site are a relatively common cause of aberrant splicing (PMID: 17576681, 9536098). Algorithms developed to predict the effect of sequence changes on RNA splicing suggest that this variant is not likely to affect RNA splicing. In summary, the available evidence is currently insufficient to determine the role of this variant in disease. Therefore, it has been classified as a Variant of Uncertain Significance.

Literature cited by the submitters: PubMed 17576681; PubMed 9536098.